The following is an entry in ClinVar:

ClinVar aggregate classification (germline): Pathogenic. Review status: criteria provided, multiple submitters, no conflicts (2 of 4 stars). 2 submissions from 2 submitters: Pathogenic (2). Last evaluated 2023-12-04.

Conditions:
Inborn genetic diseases. Identifiers: MedGen C0950123, MeSH D030342.

Submissions (2):

Ambry Genetics
Classification: Pathogenic for Inborn genetic diseases. Last evaluated: 2023-12-04. Review status: criteria provided, single submitter. Criteria: Ambry Variant Classification Scheme 2023. Collection method: clinical testing. Allele origin: germline.
Comment: The c.1795dupC (p.R599Pfs*47) alteration, located in coding exon 10 of the CHD3 gene, results from a duplication of C at position 1795, causing a translational frameshift with a predicted alternate stop codon after 47 amino acids. This alteration is expected to result in loss of function by premature protein truncation or nonsense-mediated mRNA decay. Based on data from gnomAD, the CC allele has an overall frequency of 0.001% (2/251120) total alleles studied. The highest observed frequency was 0.002% (2/113504) of European (non-Finnish) alleles. Based on the available evidence, this alteration is classified as pathogenic.

GeneDx
Classification: Pathogenic. Last evaluated: 2022-12-07. Review status: criteria provided, single submitter. Criteria: GeneDx Variant Classification Process June 2021. Collection method: clinical testing. Allele origin: germline. Affected: yes.
Comment: Reported previously in a patient with Snijders Blok-Campeau syndrome; familial segregation was not performed (Drivas et al., 2020); Frameshift variant predicted to result in protein truncation or nonsense mediated decay in a gene for which loss-of-function is a known mechanism of disease; This variant is associated with the following publications: (PMID: 32483341)

Literature cited by the submitters: PubMed 32483341 (cited by Ambry Genetics).

NM_001005273.3(CHD3):c.1618dup (p.Arg540fs)

Gene: CHD3 (chromodomain helicase DNA binding protein 3; plus strand). Cytogenetic location: 17p13.1.
Variant type: Duplication.
Coding change: c.1618dup on transcript NM_001005273.3 (MANE Select); coding-DNA position 1618, one base duplicated (C; older notation c.1618dupC).
Protein change: p.Arg540fs; shifts the reading frame from arginine 540.
Molecular consequence: frameshift variant.
Genome position (GRCh38, 1-based): chr17:7,895,453, C duplicated; the last of 7 consecutive C bases (chr17:7,895,447-7,895,453); duplicating any one gives the same sequence. VCF-style (leftmost placement, unchanged base first): chr17-7895446-A-AC. GRCh37 (hg19) VCF-style: chr17-7798764-A-AC.
Other names: c.1795dup, p.Arg599fs (NM_001005271.3); c.1618dup, p.Arg540fs (NM_005852.4); c.1795dupC (NM_001005271.2); short protein forms R540fs, R599fs.
Identifiers: ClinVar variation 1803610 (VCV001803610.2), dbSNP rs747299117, ClinGen allele CA8362705.